The following is an entry in ClinVar:

NM_001761.3(CCNF):c.347-4G>A

Gene: CCNF (cyclin F; plus strand). Cytogenetic location: 16p13.3.
Variant type: single nucleotide variant.
Coding change: c.347-4G>A on transcript NM_001761.3 (MANE Select); 4 bases into the intron before coding-DNA position 347, G replaced by A.
Molecular consequence: intron variant.
Genome position (GRCh38, 1-based): chr16:2,437,125, G>A. VCF-style: chr16-2437125-G-A. GRCh37 (hg19) VCF-style: chr16-2487126-G-A.
Other names: c.-578-4G>A (NM_001323538.2).
Identifiers: ClinVar variation 3044799 (VCV003044799.2), dbSNP rs374319260, ClinGen allele CA7842051.

ClinVar aggregate classification (germline): Likely benign (0 of 4 stars; one submission).

Conditions:
CCNF-related disorder. Also called: CCNF-related condition.

Allele frequency attached by ClinVar (database versions not stated): ESP Exome Variant Server 0.00015.
gnomAD v4.1: 76 of 1,578,214 alleles (0.0048%); highest among the groups gnomAD compares: South Asian, 0.0058%; no homozygotes.

Submission:

PreventionGenetics, part of Exact Sciences
Classification: Likely benign for CCNF-related condition. Last evaluated: 2019-05-31. Review status: no assertion criteria provided. Collection method: clinical testing. Allele origin: germline.
Comment: This variant is classified as likely benign based on ACMG/AMP sequence variant interpretation guidelines (Richards et al. 2015 PMID: 25741868, with internal and published modifications).